The following is an entry in ClinVar:

ClinVar aggregate classification (germline): Pathogenic (1 of 4 stars; one submission).

Conditions:
Eichsfeld type congenital muscular dystrophy (CMYO3). Also called: MYOPATHY, SEPN1-RELATED; SELENON-related myopathy; Congenital myopathy 3 with rigid spine; Rigid spine muscular dystrophy 1. Identifiers: MedGen C0410180, MONDO:0100100, OMIM 602771.

Submission:

Labcorp Genetics (formerly Invitae), Labcorp
Classification: Pathogenic for Eichsfeld type congenital muscular dystrophy. Last evaluated: 2021-06-24. Review status: criteria provided, single submitter. Criteria: Invitae Variant Classification Sherloc (09022015). Collection method: clinical testing. Allele origin: germline.
Comment: For these reasons, this variant has been classified as Pathogenic. This variant has not been reported in the literature in individuals with SELENON-related conditions. A gross deletion of the genomic region encompassing the full coding sequence of the SELENON gene has been identified. Loss-of-function variants in SELENON are known to be pathogenic (PMID: 21131290, 21670436). The boundaries of this event are unknown as they extend beyond the assayed region for this gene and therefore may encompass additional genes.

Literature cited by the submitters: PubMed 21131290; PubMed 21670436.

NC_000001.10:g.(?_25870190)_(26142209_?)del

Genes: LDLRAP1 (low density lipoprotein receptor adaptor protein 1; plus strand), MAN1C1 (mannosidase alpha class 1C member 1; plus strand), SELENON (selenoprotein N; plus strand). Cytogenetic location: 1p36.11.
Variant type: Deletion.
Identifiers: ClinVar variation 1365639 (VCV001365639.9).